The following is an entry in ClinVar:

NM_000038.6(APC):c.1871G>A (p.Ser624Asn)

Gene: APC (APC regulator of Wnt signaling pathway; plus strand). Cytogenetic location: 5q22.2.
Variant type: single nucleotide variant.
Coding change: c.1871G>A on transcript NM_000038.6 (MANE Select); coding-DNA position 1871, G replaced by A.
Protein change: p.Ser624Asn; replaces serine 624 with asparagine.
Molecular consequence: missense variant.
Genome position (GRCh38, 1-based): chr5:112,835,078, G>A. VCF-style: chr5-112835078-G-A. GRCh37 (hg19) VCF-style: chr5-112170775-G-A.
Other names: c.1871G>A, p.Ser624Asn (NM_001354895.2, NM_001407450.1, NM_001127510.3); c.1925G>A, p.Ser642Asn (NM_001354896.2, NM_001407447.1, NM_001407448.1 and 1 more transcripts); c.1901G>A, p.Ser634Asn (NM_001354897.2); c.1796G>A, p.Ser599Asn (NM_001354898.2); c.1787G>A, p.Ser596Asn (NM_001354899.2); c.1748G>A, p.Ser583Asn (NM_001354900.2); c.1694G>A, p.Ser565Asn (NM_001354901.2, NM_001407453.1); c.1598G>A, p.Ser533Asn (NM_001354902.2); and 11 more; short protein forms S240N, S464N, S617N, S624N, S523N, S565N, S583N, S596N.
Identifiers: ClinVar variation 1781701 (VCV001781701.3), dbSNP rs1463809433, ClinGen allele CA16025410.

ClinVar aggregate classification (germline): Uncertain significance (1 of 4 stars; one submission).

Conditions:
Hereditary cancer-predisposing syndrome. Also called: Neoplastic Syndromes, Hereditary; Tumor predisposition; Hereditary Cancer Syndrome; Hereditary neoplastic syndrome. Identifiers: Orphanet 140162, MedGen C0027672, MeSH D009386, MONDO:0015356.

Submission:

Ambry Genetics
Classification: Uncertain significance for Hereditary cancer-predisposing syndrome. Last evaluated: 2024-12-02. Review status: criteria provided, single submitter. Criteria: Ambry Variant Classification Scheme 2023. Collection method: clinical testing. Allele origin: germline.
Comment: The p.S624N variant (also known as c.1871G>A), located in coding exon 14 of the APC gene, results from a G to A substitution at nucleotide position 1871. The serine at codon 624 is replaced by asparagine, an amino acid with highly similar properties. This amino acid position is conserved. Missense alterations in APC are not a common cause of disease (Spier I et al. Genet Med. 2024 Feb;26(2):100992). In addition, in silico predictors for this gene do not accurately predict pathogenicity. Since supporting evidence is limited at this time, the clinical significance of this alteration remains unclear.